The following is an entry in ClinVar:

NM_025243.4(SLC19A3):c.414A>T (p.Arg138Ser)

Gene: SLC19A3 (solute carrier family 19 member 3; minus strand). Cytogenetic location: 2q36.3.
Variant type: single nucleotide variant.
Coding change: c.414A>T on transcript NM_025243.4 (MANE Select); coding-DNA position 414, A replaced by T.
Protein change: p.Arg138Ser; replaces arginine 138 with serine.
Molecular consequence: missense variant.
Genome position (GRCh38, 1-based): chr2:227,699,301, T>A on the plus strand (A>T on the coding strand, the complement: SLC19A3 is on the minus strand). VCF-style: chr2-227699301-T-A. GRCh37 (hg19) VCF-style: chr2-228564017-T-A.
Other names: c.414A>T, p.Arg138Ser (NM_001371411.1, NM_001371412.1); c.402A>T, p.Arg134Ser (NM_001371413.1, NM_001371414.1); short protein forms R134S, R138S.
Identifiers: ClinVar variation 2506060 (VCV002506060.1), dbSNP rs1226635528, ClinGen allele CA350877263.

ClinVar aggregate classification (germline): Uncertain significance (1 of 4 stars; one submission).

Allele frequency attached by ClinVar (database versions not stated): gnomAD exomes below 0.00001.
gnomAD v4.1: 2 of 1,614,110 alleles (0.00012%); highest among the groups gnomAD compares: East Asian, 0.0022%; no homozygotes.

Submission:

Women's Health and Genetics/Laboratory Corporation of America, LabCorp
Classification: Uncertain significance. Last evaluated: 2023-05-05. Review status: criteria provided, single submitter. Criteria: LabCorp Variant Classification Summary - May 2015. Collection method: clinical testing. Allele origin: germline.
Comment: Variant summary: SLC19A3 c.414A>T (p.Arg138Ser) results in a non-conservative amino acid change in the encoded protein sequence. Five of five in-silico tools predict a damaging effect of the variant on protein function. The variant allele was found at a frequency of 4e-06 in 251350 control chromosomes (gnomAD). The available data on variant occurrences in the general population are insufficient to allow any conclusion about variant significance. c.414A>T has been reported in the literature in the heterozygous state in an individual with brain arteriovenous malformation (e.g. Wang_2022). However to our knowledge no occurrence in individuals with with biotin-thiamine-responsive basal ganglia disease and no experimental evidence demonstrating an impact on protein function have been reported. The following publication has been ascertained in the context of this evaluation (PMID: 35228337). No clinical diagnostic laboratories have submitted clinical-significance assessments for this variant to ClinVar after 2014. Based on the evidence outlined above, the variant was classified as uncertain significance.

Literature cited by the submitters: PubMed 35228337.